The following is an entry in ClinVar:

ClinVar aggregate classification (germline): Conflicting classifications of pathogenicity. Review status: criteria provided, conflicting classifications (1 of 4 stars). 7 submissions from 7 submitters: Uncertain significance (5); Benign (1). 1 of the submissions does not count toward it. Last evaluated 2025-09-22.

Conditions:
Breast-ovarian cancer, familial, susceptibility to, 5 (BROVCA5). Identifiers: MedGen C5830615, MONDO:0957530, OMIM 620442.
Hereditary cancer-predisposing syndrome. Also called: Hereditary neoplastic syndrome; Hereditary Cancer Syndrome; Neoplastic Syndromes, Hereditary; Tumor predisposition. Identifiers: Orphanet 140162, MedGen C0027672, MeSH D009386, MONDO:0015356.
Familial cancer of breast. Also called: Hereditary breast cancer; BREAST CANCER, FAMILIAL; hereditary breast carcinoma. Identifiers: Orphanet 227535, MedGen C0346153, MONDO:0016419, OMIM 114480. Disease mechanism: loss of function.
Pancreatic cancer, susceptibility to, 3. Identifiers: Orphanet 1333, MedGen C3150547, MONDO:0013236, OMIM 613348.

Allele frequency attached by ClinVar (database versions not stated): gnomAD exomes 0.00001; TOPMed 0.00001.
gnomAD v4.1: 8 of 1,613,974 alleles (0.0005%); highest among the groups gnomAD compares: Non-Finnish European, 0.00068%; no homozygotes.

Submissions (7):

Labcorp Genetics (formerly Invitae), Labcorp
Classification: Uncertain significance for Familial cancer of breast. Last evaluated: 2025-09-22. Review status: criteria provided, single submitter. Criteria: Invitae Variant Classification Sherloc (09022015). Collection method: clinical testing. Allele origin: germline.
Comment: This sequence change replaces serine, which is neutral and polar, with glycine, which is neutral and non-polar, at codon 578 of the PALB2 protein (p.Ser578Gly). The frequency data for this variant in the population databases is considered unreliable, as metrics indicate poor data quality at this position in the gnomAD database. This missense change has been observed in individual(s) with pancreatic cancer (PMID: 25356972). ClinVar contains an entry for this variant (Variation ID: 229738). Invitae Evidence Modeling of protein sequence and biophysical properties (such as structural, functional, and spatial information, amino acid conservation, physicochemical variation, residue mobility, and thermodynamic stability) indicates that this missense variant is not expected to disrupt PALB2 protein function with a negative predictive value of 80%. Experimental studies have shown that this missense change does not substantially affect PALB2 function (PMID: 31636395). In summary, the available evidence is currently insufficient to determine the role of this variant in disease. Therefore, it has been classified as a Variant of Uncertain Significance.

Ambry Genetics
Classification: Benign for Hereditary cancer-predisposing syndrome. Last evaluated: 2024-10-16. Review status: criteria provided, single submitter. Criteria: Ambry Variant Classification Scheme 2023. Collection method: clinical testing. Allele origin: germline.

Department of Pathology and Laboratory Medicine, Sinai Health System
Classification: Uncertain significance for Breast-ovarian cancer, familial, susceptibility to, 5. Last evaluated: 2023-07-05. Review status: criteria provided, single submitter. Criteria: ACMG Guidelines, 2015. Collection method: clinical testing. Allele origin: germline. Affected: yes.

GeneDx
Classification: Uncertain significance. Last evaluated: 2022-10-11. Review status: criteria provided, single submitter. Criteria: GeneDx Variant Classification Process June 2021. Collection method: clinical testing. Allele origin: germline. Affected: yes.
Comment: Not observed at significant frequency in large population cohorts (gnomAD); In silico analysis supports that this missense variant does not alter protein structure/function; Observed in an individual with pancreatic cancer (Zhen et al., 2015); Published functional studies demonstrate no damaging effect: homology directed DNA repair activity similar to wildtype (Wiltshire et al., 2020); This variant is associated with the following publications: (PMID: 25356972, 31636395)

Color Diagnostics, LLC DBA Color Health
Classification: Uncertain significance for Hereditary cancer-predisposing syndrome. Last evaluated: 2021-05-20. Review status: criteria provided, single submitter. Criteria: ACMG Guidelines, 2015. Collection method: clinical testing. Allele origin: germline.
Comment: This missense variant replaces serine with glycine at codon 578 of the PALB2 protein. Computational prediction suggests that this variant may not impact protein structure and function (internally defined REVEL score threshold <= 0.5, PMID: 27666373). Functional studies have shown this variant to behave as wild-type in a human cell homology directed repair assay (PMID: 31636395). This variant has been reported in individuals affected with pancreatic cancer in the literature (PMID: 25356972). This variant has been identified in 1/250194 chromosomes in the general population by the Genome Aggregation Database (gnomAD). The available evidence is insufficient to determine the role of this variant in disease conclusively. Therefore, this variant is classified as a Variant of Uncertain Significance.

Quest Diagnostics Nichols Institute San Juan Capistrano
Classification: Uncertain significance. Last evaluated: 2019-07-01. Review status: criteria provided, single submitter. Criteria: Quest Diagnostics criteria. Collection method: clinical testing. Allele origin: germline.

Leiden Open Variation Database
Classification: Uncertain significance for Pancreatic cancer, susceptibility to, 3. Last evaluated: 2019-05-13. Review status: no assertion criteria provided. Collection method: curation. Allele origin: germline. Affected: yes. Not counted in ClinVar's aggregate classification.
Comment: Curators: Marc Tischkowitz, Arleen D. Auerbach. Submitter to LOVD: Marc Tischkowitz.

Literature cited by the submitters: PubMed 25356972 (cited by 5 submitters); PubMed 31636395 (cited by Labcorp Genetics (formerly Invitae), Labcorp and Ambry Genetics); PubMed 28726808 (cited by Ambry Genetics); PubMed 33471991 (cited by Department of Pathology and Laboratory Medicine, Sinai Health System); PubMed 31336395 (cited by Department of Pathology and Laboratory Medicine, Sinai Health System).

NM_024675.4(PALB2):c.1732A>G (p.Ser578Gly)

Gene: PALB2 (partner and localizer of BRCA2; minus strand). Cytogenetic location: 16p12.2.
Variant type: single nucleotide variant.
Coding change: c.1732A>G on transcript NM_024675.4 (MANE Select); coding-DNA position 1732, A replaced by G.
Protein change: p.Ser578Gly; replaces serine 578 with glycine.
Molecular consequence: missense variant.
Genome position (GRCh38, 1-based): chr16:23,630,422, T>C on the plus strand (A>G on the coding strand, the complement: PALB2 is on the minus strand). VCF-style: chr16-23630422-T-C. GRCh37 (hg19) VCF-style: chr16-23641743-T-C.
Other names: short protein forms S578G.
Identifiers: ClinVar variation 229738 (VCV000229738.29), dbSNP rs764023822, ClinGen allele CA7963665.